The following is an entry in ClinVar:

ClinVar aggregate classification (germline): Likely pathogenic (1 of 4 stars; one submission).

Conditions:
Gorlin syndrome. Also called: Nevoid Basal Cell Carcinoma Syndrome; Basal cell nevus syndrome. Identifiers: Orphanet 377, MedGen C0004779, MONDO:0007187.

Submission:

Labcorp Genetics (formerly Invitae), Labcorp
Classification: Likely pathogenic for Gorlin syndrome. Last evaluated: 2017-08-02. Review status: criteria provided, single submitter. Criteria: Invitae Variant Classification Sherloc (09022015). Collection method: clinical testing. Allele origin: germline.
Comment: This variant has not been reported in the literature in individuals with PTCH1-related disease. This variant is not present in population databases (ExAC no frequency). This sequence change affects the donor splice site in intron 5 of the PTCH1 gene. It is expected to disrupt RNA splicing and likely results in an absent or disrupted protein product. In summary, the currently available evidence indicates that the variant is pathogenic, but additional data are needed to prove that conclusively. Therefore, this variant has been classified as Likely Pathogenic. Donor and acceptor splice site variants typically lead to a loss of protein function (PMID: 16199547), and loss-of-function variants in PTCH1 are known to be pathogenic (PMID: 16301862, 16419085). Algorithms developed to predict the effect of sequence changes on RNA splicing suggest that this variant may disrupt the consensus splice site, but this prediction has not been confirmed by published transcriptional studies.

Literature cited by the submitters: PubMed 16199547; PubMed 16301862; PubMed 16419085.

NM_000264.5(PTCH1):c.741_746+1del

Gene: PTCH1 (patched 1; minus strand). Cytogenetic location: 9q22.32.
Variant type: Deletion.
Coding change: c.741_746+1del on transcript NM_000264.5 (MANE Select); coding-DNA position 741 through the canonical splice donor site of the intron after coding-DNA position 746, 7 bases deleted (CCTCCTG; older notation c.741_746+1delCCTCCTG).
Molecular consequence: splice donor variant. On other transcripts: frameshift variant (1).
Genome position (GRCh38, 1-based): chr9:95,481,948-95,481,954, CAGGAGG deleted on the plus strand (CCTCCTG on the coding strand, the reverse complement: PTCH1 is on the minus strand). VCF-style (leftmost placement, unchanged base first): chr9-95481947-ACAGGAGG-A. GRCh37 (hg19) VCF-style: chr9-98244229-ACAGGAGG-A.
Other names: c.738_743+1del (NM_001083603.3); c.543_548+1del (NM_001083602.3); c.741_746+1del (NM_001354918.2); c.288_293+1del (NM_001083605.3, NM_001083604.3, NM_001083606.3 and 1 more transcripts); c.543_549del, p.Leu182fs (NM_001354919.2); short protein forms L182fs.
Identifiers: ClinVar variation 524565 (VCV000524565.6), dbSNP rs1554700574, ClinGen allele CA658797235.
Genomic context (GRCh38, chr9:95,481,947, plus strand): 5'-ACATTAGAAACACTGAGTCCTAGAGAAGTCACAGACATCAGAAAGCATGATCACACACTT[ACAGGAGG>A]TATGCTGTCCCAGACTGTAATTTCGCCCCTTCCCAGAAGCAGTCCAAAGGTGTAATAATC-3'